The following is an entry in ClinVar:

NM_015164.4(PLEKHM2):c.646A>G (p.Ser216Gly)

Gene: PLEKHM2 (pleckstrin homology and RUN domain containing M2; plus strand). Cytogenetic location: 1p36.21.
Variant type: single nucleotide variant.
Coding change: c.646A>G on transcript NM_015164.4 (MANE Select); coding-DNA position 646, A replaced by G.
Protein change: p.Ser216Gly; replaces serine 216 with glycine.
Molecular consequence: missense variant.
Genome position (GRCh38, 1-based): chr1:15,719,914, A>G. VCF-style: chr1-15719914-A-G. GRCh37 (hg19) VCF-style: chr1-16046409-A-G.
Other names: short protein forms S216G.
Identifiers: ClinVar variation 844318 (VCV000844318.8), dbSNP rs374683119, ClinGen allele CA616734.

ClinVar aggregate classification (germline): Uncertain significance (1 of 4 stars; one submission).

Conditions:
Dilated Cardiomyopathy, Recessive.

Allele frequency attached by ClinVar (database versions not stated): gnomAD below 0.00001 and 0.00003; TOPMed 0.00001; gnomAD exomes 0.00003 and 0.00004; ExAC 0.00006.
gnomAD v4.1: 45 of 1,611,436 alleles (0.0028%); highest among the groups gnomAD compares: South Asian, 0.045%; 1 homozygote.

Submission:

Labcorp Genetics (formerly Invitae), Labcorp
Classification: Uncertain significance. Last evaluated: 2025-02-02. Review status: criteria provided, single submitter. Criteria: Invitae Variant Classification Sherloc (09022015). Collection method: clinical testing. Allele origin: germline.
Comment: This sequence change replaces serine, which is neutral and polar, with glycine, which is neutral and non-polar, at codon 216 of the PLEKHM2 protein (p.Ser216Gly). This variant is present in population databases (rs374683119, gnomAD 0.03%). This variant has not been reported in the literature in individuals affected with PLEKHM2-related conditions. ClinVar contains an entry for this variant (Variation ID: 844318). An algorithm developed to predict the effect of missense changes on protein structure and function (PolyPhen-2) suggests that this variant¬†is likely to be tolerated. Algorithms developed to predict the effect of sequence changes on RNA splicing suggest that this variant may create or strengthen a splice site. In summary, the available evidence is currently insufficient to determine the role of this variant in disease. Therefore, it has been classified as a Variant of Uncertain Significance.